The following is an entry in ClinVar:

NM_022489.4(INF2):c.1493G>T (p.Gly498Val)

Gene: INF2 (inverted formin 2; plus strand). Cytogenetic location: 14q32.33.
Variant type: single nucleotide variant.
Coding change: c.1493G>T on transcript NM_022489.4 (MANE Select); coding-DNA position 1493, G replaced by T.
Protein change: p.Gly498Val; replaces glycine 498 with valine.
Molecular consequence: missense variant.
Genome position (GRCh38, 1-based): chr14:104,707,760, G>T. VCF-style: chr14-104707760-G-T. GRCh37 (hg19) VCF-style: chr14-105174097-G-T.
Other names: p.Gly498Val; c.1493G>T, p.Gly498Val (NM_001031714.4); short protein forms G498V.
Identifiers: ClinVar variation 1425223 (VCV001425223.8), dbSNP rs2140669360, ClinGen allele CA391217269.

ClinVar aggregate classification (germline): Uncertain significance. Review status: criteria provided, multiple submitters, no conflicts (2 of 4 stars). 3 submissions from 3 submitters: Uncertain significance (3). Last evaluated 2025-09-27.

Conditions:
Focal segmental glomerulosclerosis 5 (FSGS5). Identifiers: Orphanet 656, MedGen C2750475, MONDO:0013191, OMIM 613237.
Charcot-Marie-Tooth disease dominant intermediate E. Also called: CHARCOT-MARIE-TOOTH NEUROPATHY WITH FOCAL SEGMENTAL GLOMERULONEPHRITIS. Identifiers: Orphanet 93114, MedGen C4302667, MONDO:0013758, OMIM 614455.

Allele frequency attached by ClinVar (database versions not stated): gnomAD 0.00001.
gnomAD v4.1: 16 of 1,324,798 alleles (0.0012%); highest among the groups gnomAD compares: Middle Eastern, 0.026%; no homozygotes.

Submissions (3):

Mayo Clinic Laboratories, Mayo Clinic
Classification: Uncertain significance. Last evaluated: 2025-09-27. Review status: criteria provided, single submitter. Criteria: ACMG Guidelines, 2015. Collection method: clinical testing. Allele origin: germline. Observed: 1 variant allele.
Comment: BP4_moderate

Labcorp Genetics (formerly Invitae), Labcorp
Classification: Uncertain significance for Charcot-Marie-Tooth disease dominant intermediate E; Focal segmental glomerulosclerosis 5. Last evaluated: 2023-10-23. Review status: criteria provided, single submitter. Criteria: Invitae Variant Classification Sherloc (09022015). Collection method: clinical testing. Allele origin: germline.
Comment: This sequence change replaces glycine, which is neutral and non-polar, with valine, which is neutral and non-polar, at codon 498 of the INF2 protein (p.Gly498Val). This variant is not present in population databases (gnomAD no frequency). This variant has not been reported in the literature in individuals affected with INF2-related conditions. ClinVar contains an entry for this variant (Variation ID: 1425223). Advanced modeling of protein sequence and biophysical properties (such as structural, functional, and spatial information, amino acid conservation, physicochemical variation, residue mobility, and thermodynamic stability) performed at Invitae indicates that this missense variant is not expected to disrupt INF2 protein function. In summary, the available evidence is currently insufficient to determine the role of this variant in disease. Therefore, it has been classified as a Variant of Uncertain Significance.

Fulgent Genetics
Classification: Uncertain significance for Focal segmental glomerulosclerosis 5; Charcot-Marie-Tooth disease dominant intermediate E. Last evaluated: 2021-12-26. Review status: criteria provided, single submitter. Criteria: ACMG Guidelines, 2015. Collection method: clinical testing. Allele origin: unknown.